The following is an entry in ClinVar:

ClinVar aggregate classification (germline): Pathogenic (1 of 4 stars; one submission).

Conditions:
Hyperphosphatasia with impaired intellectual development syndrome 2. Also called: Hyperphosphatasia with intellectual disability syndrome 2; GLYCOSYLPHOSPHATIDYLINOSITOL BIOSYNTHESIS DEFECT 6. Identifiers: Orphanet 247262, MedGen C3553637, MONDO:0013882, OMIM 614749.

Allele frequency attached by ClinVar (database versions not stated): gnomAD 0.00001.

Submission:

Labcorp Genetics (formerly Invitae), Labcorp
Classification: Pathogenic for Hyperphosphatasia with impaired intellectual development syndrome 2. Last evaluated: 2021-04-26. Review status: criteria provided, single submitter. Criteria: Invitae Variant Classification Sherloc (09022015). Collection method: clinical testing. Allele origin: germline.
Comment: For these reasons, this variant has been classified as Pathogenic. This variant has not been reported in the literature in individuals with PIGO-related conditions. This variant is not present in population databases (ExAC no frequency). This sequence change creates a premature translational stop signal (p.Gln363*) in the PIGO gene. It is expected to result in an absent or disrupted protein product. Loss-of-function variants in PIGO are known to be pathogenic (PMID: 22683086, 24417746).

Literature cited by the submitters: PubMed 22683086; PubMed 24417746.

NM_032634.4(PIGO):c.1087C>T (p.Gln363Ter)

Gene: PIGO (phosphatidylinositol glycan anchor biosynthesis class O; minus strand). Cytogenetic location: 9p13.3.
Variant type: single nucleotide variant.
Coding change: c.1087C>T on transcript NM_032634.4 (MANE Select); coding-DNA position 1087, C replaced by T.
Protein change: p.Gln363Ter; replaces glutamine 363 with a stop codon.
Molecular consequence: nonsense.
Genome position (GRCh38, 1-based): chr9:35,093,062, G>A on the plus strand (C>T on the coding strand, the complement: PIGO is on the minus strand). VCF-style: chr9-35093062-G-A. GRCh37 (hg19) VCF-style: chr9-35093059-G-A.
Other names: c.1087C>T, p.Gln363Ter (NM_001201484.2, NM_152850.4); short protein forms Q363*.
Identifiers: ClinVar variation 1457267 (VCV001457267.6), dbSNP rs1829507609, ClinGen allele CA373322849.
Genomic context (GRCh38, chr9:35,093,062, plus strand): 5'-CACCTGGAAACCCAGCCCGCTTACCTACCTGCTGAGCATTGAGATGGAGAGCTGAGGCTT[G>A]GGCTAAAGCAGAGGAGTGGGGCTGGGAGTCCTCACCCCCTGAGAATAGCTCAGCCATCAC-3'